The following is an entry in ClinVar:

NM_001165963.4(SCN1A):c.2044G>T (p.Gly682Ter)

Gene: SCN1A (sodium voltage-gated channel alpha subunit 1; minus strand). Cytogenetic location: 2q24.3.
Variant type: single nucleotide variant.
Coding change: c.2044G>T on transcript NM_001165963.4 (MANE Select); coding-DNA position 2044, G replaced by T.
Protein change: p.Gly682Ter; replaces glycine 682 with a stop codon.
Molecular consequence: nonsense. On other transcripts: 5 prime UTR variant (1), non-coding transcript variant (1).
Genome position (GRCh38, 1-based): chr2:166,042,424, C>A on the plus strand (G>T on the coding strand, the complement: SCN1A is on the minus strand). VCF-style: chr2-166042424-C-A. GRCh37 (hg19) VCF-style: chr2-166898934-C-A.
Other names: c.1960G>T, p.Gly654Ter (NM_001165964.3, NM_001353957.2, NM_001353958.2); c.2044G>T, p.Gly682Ter (NM_001202435.3, NM_001353948.2); c.2011G>T, p.Gly671Ter (NM_001353949.2, NM_001353950.2, NM_001353951.2 and 2 more transcripts); c.2008G>T, p.Gly670Ter (NM_001353954.2, NM_001353955.2); c.1957G>T, p.Gly653Ter (NM_001353960.2); c.-415G>T (NM_001353961.2); short protein forms G653*, G654*, G670*, G671*, G682*.
Identifiers: ClinVar variation 1074214 (VCV001074214.9), dbSNP rs1398374184, ClinGen allele CA349066195.
Genomic context (GRCh38, chr2:166,042,424, plus strand): 5'-CCATGGAAACGTGGAAAGAACTTGACCTTCTCTTTCTCATTTCAGTTTCAGTGGTTGTTC[C>A]CTGTAAAAAAAAATGCTAATGCATTAAACAATTAATTTGAGCAATATGACAAGCAAACAA-3'

ClinVar aggregate classification (germline): Pathogenic/Likely pathogenic. Review status: criteria provided, multiple submitters, no conflicts (2 of 4 stars). 2 submissions from 2 submitters: Pathogenic (1); Likely pathogenic (1). Last evaluated 2023-04-27.

Conditions:
SCN1A-related disorder. Also called: SCN1A-related conditions; SCN1A-related condition; SCN1A-related disorders.
Early-infantile DEE. Also called: Early infantile epileptic encephalopathy with suppression bursts; Early infantile epileptic encephalopathy; Ohtahara syndrome. Identifiers: Orphanet 1934, MedGen C0393706, MONDO:0800491.

Submissions (2):

Blueprint Genetics
Classification: Likely pathogenic for SCN1A-related disorders. Last evaluated: 2023-04-27. Review status: criteria provided, single submitter. Criteria: ACMG Guidelines, 2015. Collection method: clinical testing. Allele origin: germline. Affected: yes. Observed: 1 variant allele.

Labcorp Genetics (formerly Invitae), Labcorp
Classification: Pathogenic for Early-infantile DEE. Last evaluated: 2022-07-25. Review status: criteria provided, single submitter. Criteria: Invitae Variant Classification Sherloc (09022015). Collection method: clinical testing. Allele origin: germline.
Comment: For these reasons, this variant has been classified as Pathogenic. Algorithms developed to predict the effect of sequence changes on RNA splicing suggest that this variant may disrupt the consensus splice site. ClinVar contains an entry for this variant (Variation ID: 1074214). This variant has not been reported in the literature in individuals affected with SCN1A-related conditions. This variant is not present in population databases (gnomAD no frequency). This sequence change creates a premature translational stop signal (p.Gly682*) in the SCN1A gene. It is expected to result in an absent or disrupted protein product. Loss-of-function variants in SCN1A are known to be pathogenic (PMID: 17347258, 18930999).

Literature cited by the submitters: PubMed 17347258 (cited by Labcorp Genetics (formerly Invitae), Labcorp); PubMed 18930999 (cited by Labcorp Genetics (formerly Invitae), Labcorp).